The following is an entry in ClinVar:

NM_020937.4(FANCM):c.4535T>C (p.Leu1512Ser)

Gene: FANCM (FA complementation group M; plus strand). Cytogenetic location: 14q21.2.
Variant type: single nucleotide variant.
Coding change: c.4535T>C on transcript NM_020937.4 (MANE Select); coding-DNA position 4535, T replaced by C.
Protein change: p.Leu1512Ser; replaces leucine 1512 with serine.
Molecular consequence: missense variant.
Genome position (GRCh38, 1-based): chr14:45,185,236, T>C. VCF-style: chr14-45185236-T-C. GRCh37 (hg19) VCF-style: chr14-45654439-T-C.
Other names: c.4457T>C, p.Leu1486Ser (NM_001308133.2); short protein forms L1512S, L1486S.
Identifiers: ClinVar variation 4022827 (VCV004022827.1).
Genomic context (GRCh38, chr14:45,185,236, plus strand): 5'-TCTCACTGATATCTTCATGTTTTCTAATTTGTCTTACTTAGCATGTAGCTAGGAAGTTTT[T>C]AGATGATGAAGCAGAACTTTCTGAAGAAGATGCAGAATATGTTTCATCAGATGAAAATGA-3'
Protein context (NP_065988.1, residues 1502-1522): SHLKHVARKF[Leu1512Ser]DDEAELSEED

ClinVar aggregate classification (germline): Uncertain significance (1 of 4 stars; one submission).

Conditions:
Inborn genetic diseases. Identifiers: MedGen C0950123, MeSH D030342.

gnomAD v4.1: 3 of 1,602,380 alleles (0.00019%); highest among the groups gnomAD compares: South Asian, 0.0022%; no homozygotes.

Submission:

Ambry Genetics
Classification: Uncertain significance for Inborn genetic diseases. Last evaluated: 2025-05-31. Review status: criteria provided, single submitter. Criteria: Ambry Variant Classification Scheme 2023. Collection method: clinical testing. Allele origin: germline.
Comment: The p.L1512S variant (also known as c.4535T>C), located in coding exon 18 of the FANCM gene, results from a T to C substitution at nucleotide position 4535. The leucine at codon 1512 is replaced by serine, an amino acid with dissimilar properties. This amino acid position is conserved. In addition, the in silico prediction for this alteration is inconclusive. Based on the available evidence, the clinical significance of this variant remains unclear.